The following is an entry in ClinVar:

NM_198503.5(KCNT2):c.2420T>A (p.Met807Lys)

Gene: KCNT2 (potassium sodium-activated channel subfamily T member 2; minus strand). Cytogenetic location: 1q31.3.
Variant type: single nucleotide variant.
Coding change: c.2420T>A on transcript NM_198503.5 (MANE Select); coding-DNA position 2420, T replaced by A.
Protein change: p.Met807Lys; replaces methionine 807 with lysine.
Molecular consequence: missense variant. On other transcripts: non-coding transcript variant (2).
Genome position (GRCh38, 1-based): chr1:196,315,955, A>T on the plus strand (T>A on the coding strand, the complement: KCNT2 is on the minus strand). VCF-style: chr1-196315955-A-T. GRCh37 (hg19) VCF-style: chr1-196285085-A-T.
Other names: c.2348T>A, p.Met783Lys (NM_001287819.3); c.2198T>A, p.Met733Lys (NM_001287820.3); short protein forms M733K, M783K, M807K.
Identifiers: ClinVar variation 3360574 (VCV003360574.1).

ClinVar aggregate classification (germline): Uncertain significance (1 of 4 stars; one submission).

Submission:

GeneDx
Classification: Uncertain significance. Last evaluated: 2023-06-27. Review status: criteria provided, single submitter. Criteria: GeneDx Variant Classification Process June 2021. Collection method: clinical testing. Allele origin: germline. Affected: yes.
Comment: Not observed at significant frequency in large population cohorts (gnomAD); In silico analysis supports that this missense variant has a deleterious effect on protein structure/function; Has not been previously published as pathogenic or benign to our knowledge